The following is an entry in ClinVar:

ClinVar aggregate classification (germline): Likely benign (1 of 4 stars; one submission).

Conditions:
NRP2-related disorder. Also called: NRP2-related condition.

gnomAD v4.1: 3 of 1,614,124 alleles (0.00019%); highest among the groups gnomAD compares: East Asian, 0.0022%; no homozygotes.

Submission:

PreventionGenetics, part of Exact Sciences
Classification: Likely benign for NRP2-related condition. Last evaluated: 2025-09-16. Review status: criteria provided, single submitter. Criteria: ACMG Guidelines, 2015. Collection method: clinical testing. Allele origin: germline.
Comment: This variant is classified as likely benign based on ACMG/AMP sequence variant interpretation guidelines (Richards et al. 2015 PMID: 25741868, with internal and published modifications).

NM_003872.3(NRP2):c.252-5C>A

Gene: NRP2 (neuropilin 2; plus strand). Cytogenetic location: 2q33.3.
Variant type: single nucleotide variant.
Coding change: c.252-5C>A on transcript NM_003872.3 (MANE Select); 5 bases into the intron before coding-DNA position 252, C replaced by A.
Molecular consequence: intron variant.
Genome position (GRCh38, 1-based): chr2:205,716,188, C>A. VCF-style: chr2-205716188-C-A. GRCh37 (hg19) VCF-style: chr2-206580912-C-A.
Other names: c.252-5C>A (NM_201266.2, NM_201279.2, NM_018534.4 and 2 more transcripts).
Identifiers: ClinVar variation 4993329 (VCV004993329.1).
Genomic context (GRCh38, chr2:205,716,188, plus strand): 5'-GCGACACAGTGGTCCTTCTCATGTCCTTCGAGTGATCTTTTCTTGTCTGTGCCATCCCCA[C>A]CCAGGTATGACTTTATCGAGATTCGGGATGGGGACAGTGAATCCGCAGACCTCCTGGGCA-3'